The following is an entry in ClinVar:

NM_000492.4(CFTR):c.1679+6T>C

Genes: CFTR (CF transmembrane conductance regulator; plus strand), LOC111674475 (CFTR intron 11 enhancer; plus strand). Cytogenetic location: 7q31.2.
Variant type: single nucleotide variant.
Coding change: c.1679+6T>C on transcript NM_000492.4 (MANE Select); 6 bases into the intron after coding-DNA position 1679, T replaced by C.
Molecular consequence: intron variant.
Genome position (GRCh38, 1-based): chr7:117,587,839, T>C. VCF-style: chr7-117587839-T-C. GRCh37 (hg19) VCF-style: chr7-117227893-T-C.
Identifiers: ClinVar variation 3769294 (VCV003769294.2).

ClinVar aggregate classification (germline): Uncertain significance (1 of 4 stars; one submission).

gnomAD v4.1: 1 of 1,515,272 alleles (0.000066%); highest among the groups gnomAD compares: South Asian, 0.0011%; no homozygotes.

Submission:

Women's Health and Genetics/Laboratory Corporation of America, LabCorp
Classification: Uncertain significance. Last evaluated: 2025-01-03. Review status: criteria provided, single submitter. Criteria: LabCorp Variant Classification Summary - May 2015. Collection method: clinical testing. Allele origin: germline.
Comment: Variant summary: CFTR c.1679+6T>C alters a non-conserved nucleotide located close to a canonical splice site and therefore could affect mRNA splicing, leading to a significantly altered protein sequence. Several computational tools predict a significant impact on normal splicing: One predicts the variant abolishes a 5' splicing donor site. Two predict the variant weakens a 5' donor site. One predicts the variant has no significant impact on splicing. However, these predictions have yet to be confirmed by functional studies. The variant was absent in 250328 control chromosomes. The available data on variant occurrences in the general population are insufficient to allow any conclusion about variant significance. To our knowledge, no occurrence of c.1679+6T>C in individuals affected with Cystic Fibrosis and no experimental evidence demonstrating its impact on protein function have been reported. No submitters have cited clinical-significance assessments for this variant to ClinVar. Based on the evidence outlined above, the variant was classified as uncertain significance.